The following is an entry in ClinVar:

ClinVar aggregate classification (germline): Uncertain significance (1 of 4 stars; one submission).

Conditions:
Myopathy, centronuclear, 2 (CNM2). Also called: MYOTUBULAR MYOPATHY, AUTOSOMAL RECESSIVE. Identifiers: Orphanet 169186, MedGen CN031787, MONDO:0009709, OMIM 255200.

gnomAD v4.1: 3 of 1,606,934 alleles (0.00019%); highest among the groups gnomAD compares: African/African-American, 0.0013%; no homozygotes.

Submission:

Labcorp Genetics (formerly Invitae), Labcorp
Classification: Uncertain significance for Myopathy, centronuclear, 2. Last evaluated: 2025-11-28. Review status: criteria provided, single submitter. Criteria: Invitae Variant Classification Sherloc (09022015). Collection method: clinical testing. Allele origin: germline.
Comment: This sequence change replaces proline, which is neutral and non-polar, with leucine, which is neutral and non-polar, at codon 285 of the BIN1 protein (p.Pro285Leu). This variant is not present in population databases (gnomAD no frequency). This variant has not been reported in the literature in individuals affected with BIN1-related conditions. Invitae Evidence Modeling of protein sequence and biophysical properties (such as structural, functional, and spatial information, amino acid conservation, physicochemical variation, residue mobility, and thermodynamic stability) indicates that this missense variant is not expected to disrupt BIN1 protein function with a negative predictive value of 80%. In summary, the available evidence is currently insufficient to determine the role of this variant in disease. Therefore, it has been classified as a Variant of Uncertain Significance.

NM_139343.3(BIN1):c.854C>T (p.Pro285Leu)

Gene: BIN1 (bridging integrator 1; minus strand). Cytogenetic location: 2q14.3.
Variant type: single nucleotide variant.
Coding change: c.854C>T on transcript NM_139343.3 (MANE Select); coding-DNA position 854, C replaced by T.
Protein change: p.Pro285Leu; replaces proline 285 with leucine.
Molecular consequence: missense variant.
Genome position (GRCh38, 1-based): chr2:127,062,118, G>A on the plus strand (C>T on the coding strand, the complement: BIN1 is on the minus strand). VCF-style: chr2-127062118-G-A. GRCh37 (hg19) VCF-style: chr2-127819694-G-A.
Other names: c.761C>T, p.Pro254Leu (NM_001320632.2, NM_001320641.2, NM_004305.4 and 6 more transcripts); c.854C>T, p.Pro285Leu (NM_001320633.2, NM_001320640.2, NM_139344.3 and 1 more transcripts); c.689C>T, p.Pro230Leu (NM_001320634.1); c.773C>T, p.Pro258Leu (NM_001320642.1); short protein forms P285L, P230L, P254L, P258L.
Identifiers: ClinVar variation 4769512 (VCV004769512.1).